The following is an entry in ClinVar:

NM_001365999.1(SZT2):c.3788G>A (p.Arg1263Gln)

Gene: SZT2 (SZT2 subunit of KICSTOR complex; plus strand). Cytogenetic location: 1p34.2.
Variant type: single nucleotide variant.
Coding change: c.3788G>A on transcript NM_001365999.1 (MANE Select); coding-DNA position 3788, G replaced by A.
Protein change: p.Arg1263Gln; replaces arginine 1263 with glutamine.
Molecular consequence: missense variant.
Genome position (GRCh38, 1-based): chr1:43,427,719, G>A. VCF-style: chr1-43427719-G-A. GRCh37 (hg19) VCF-style: chr1-43893390-G-A.
Other names: c.3617G>A, p.Arg1206Gln (NM_015284.4); short protein forms R1206Q, R1263Q.
Identifiers: ClinVar variation 860118 (VCV000860118.11), dbSNP rs149633993, ClinGen allele CA809087.
Genomic context (GRCh38, chr1:43,427,719, plus strand): 5'-GCTGTTCACTGGAAGCGCTGAGGGAACAAATGGTTGGCATGCAGCCCCCTCAGGCGCCCC[G>A]AGACCTCATCTTCCGGTGAGTGCCTTCAGTGTTGACCTAAGTCCTCGCCGGGCCATGGCT-3'
Protein context (NP_001352928.1, residues 1253-1273): MVGMQPPQAP[Arg1263Gln]DLIFRTQFLD

ClinVar aggregate classification (germline): Uncertain significance. Review status: criteria provided, multiple submitters, no conflicts (2 of 4 stars). 4 submissions from 4 submitters: Uncertain significance (4). Last evaluated 2023-04-11.

Conditions:
Inborn genetic diseases. Identifiers: MedGen C0950123, MeSH D030342.
Developmental and epileptic encephalopathy, 18 (DEE18). Also called: Early infantile epileptic encephalopathy 18. Identifiers: Orphanet 369894, MedGen C3809624, MONDO:0014201, OMIM 615476.

Allele frequency attached by ClinVar (database versions not stated): ExAC 0.00001; gnomAD exomes 0.00001 and 0.00002; gnomAD 0.00004 and 0.00005; TOPMed 0.00004; ESP Exome Variant Server 0.00008.

Submissions (4):

Genome-Nilou Lab
Classification: Uncertain significance for Developmental and epileptic encephalopathy, 18. Last evaluated: 2023-04-11. Review status: criteria provided, single submitter. Criteria: ACMG Guidelines, 2015. Collection method: clinical testing. Allele origin: germline. Affected: no.

Labcorp Genetics (formerly Invitae), Labcorp
Classification: Uncertain significance. Last evaluated: 2022-01-15. Review status: criteria provided, single submitter. Criteria: Invitae Variant Classification Sherloc (09022015). Collection method: clinical testing. Allele origin: germline.
Comment: This sequence change replaces arginine, which is basic and polar, with glutamine, which is neutral and polar, at codon 1206 of the SZT2 protein (p.Arg1206Gln). This variant is present in population databases (rs149633993, gnomAD 0.02%). This variant has not been reported in the literature in individuals affected with SZT2-related conditions. ClinVar contains an entry for this variant (Variation ID: 860118). Algorithms developed to predict the effect of missense changes on protein structure and function output the following: SIFT: "Tolerated"; PolyPhen-2: "Benign"; Align-GVGD: "Class C0". The glutamine amino acid residue is found in multiple mammalian species, which suggests that this missense change does not adversely affect protein function. In summary, the available evidence is currently insufficient to determine the role of this variant in disease. Therefore, it has been classified as a Variant of Uncertain Significance.

New York Genome Center
Classification: Uncertain significance for Developmental and epileptic encephalopathy, 18. Last evaluated: 2020-07-15. Review status: criteria provided, single submitter. Criteria: NYGC Assertion Criteria 2020. Collection method: clinical testing. Allele origin: inherited. Observed: 1 heterozygote. Study: CSER-NYCKidSeq.

Ambry Genetics
Classification: Uncertain significance for Inborn genetic diseases. Last evaluated: 2018-09-10. Review status: criteria provided, single submitter. Criteria: Ambry Variant Classification Scheme 2023. Collection method: clinical testing. Allele origin: germline.
Comment: The p.R1206Q variant (also known as c.3617G>A), located in coding exon 25 of the SZT2 gene, results from a G to A substitution at nucleotide position 3617. The arginine at codon 1206 is replaced by glutamine, an amino acid with highly similar properties. This amino acid position is well conserved in available vertebrate species. In addition, this alteration is predicted to be tolerated by in silico analysis. Since supporting evidence is limited at this time, the clinical significance of this alteration remains unclear.